The following is an entry in ClinVar:

Single allele

Variant type: Duplication.
Genome position: GRCh38: chr19:50,757,732-50,760,253. GRCh37 (hg19): chr19:51,260,989-51,263,510.
Identifiers: ClinVar variation 157457 (VCV000157457.2), ClinGen allele CA10575666.

ClinVar aggregate classification (germline): not provided (0 of 4 stars; one submission).

Conditions:
Large for gestational age. Identifiers: MedGen C1848395, HP:0001520.

Submission:

Institute of Molecular and Cell Biology, University of Tartu
No classification provided. Condition: Large for gestational age. Review status: no classification provided. Collection method: case-control. Allele origin: unknown. Affected: yes. Study: Kasak2014.
Comment: The study aimed to determine the contribution of copy number variants in the genetic etiology of normal and complicated pregnancies. The samples represented (i) maternal blood DNA drawn from healthy pregnant women during 1st or 2nd trimester and (ii) maternal and paternal blood DNA drawn at term pregnancy cases representing normal and complicated gestations (severe preeclampsia, PE; gestational diabetes, GD; small-for-gestational age newborn, SGA; large-for-gestational age newborn, LGA). We performed CNV calling based on genome-wide genotyping dataset (Illumina HumanOmniExpress-24-v1 BeadChip) by applying three algorithms, QuantiSNP, GADA (Genome Alteration Detection Algorithm) and CNstream in parallel. The acquired CNV calls were merged with HD-CNV (Hotspot Detector for Copy Number Variants) program and only the CNVs predicted by at least two programs, were considered in subsequent analysis.

Literature cited by the submitters: PubMed 25666259.